The following is an entry in ClinVar:

ClinVar aggregate classification (germline): Conflicting classifications of pathogenicity. Review status: criteria provided, conflicting classifications (1 of 4 stars). 3 submissions from 3 submitters: Uncertain significance (2); Likely benign (1). Last evaluated 2025-11-13.

Conditions:
Inborn genetic diseases. Identifiers: MedGen C0950123, MeSH D030342.

Allele frequency attached by ClinVar (database versions not stated): 1000 Genomes Project 0.00040; 1000 Genomes Project 30x 0.00047.
gnomAD v4.1: 7 of 1,531,898 alleles (0.00046%); highest among the groups gnomAD compares: East Asian, 0.015%; no homozygotes.

Submissions (3):

Ambry Genetics
Classification: Uncertain significance for Inborn genetic diseases. Last evaluated: 2025-11-13. Review status: criteria provided, single submitter. Criteria: Ambry Variant Classification Scheme 2023. Collection method: clinical testing. Allele origin: germline.

Mayo Clinic Laboratories, Mayo Clinic
Classification: Likely benign. Last evaluated: 2025-10-10. Review status: criteria provided, single submitter. Criteria: ACMG Guidelines, 2015. Collection method: clinical testing. Allele origin: germline. Observed: 1 variant allele.
Comment: BS2, BP4

Labcorp Genetics (formerly Invitae), Labcorp
Classification: Uncertain significance. Last evaluated: 2023-04-08. Review status: criteria provided, single submitter. Criteria: Invitae Variant Classification Sherloc (09022015). Collection method: clinical testing. Allele origin: germline.
Comment: This sequence change replaces valine, which is neutral and non-polar, with leucine, which is neutral and non-polar, at codon 58 of the NEFH protein (p.Val58Leu). This variant is not present in population databases (gnomAD no frequency). In summary, the available evidence is currently insufficient to determine the role of this variant in disease. Therefore, it has been classified as a Variant of Uncertain Significance. Advanced modeling of protein sequence and biophysical properties (such as structural, functional, and spatial information, amino acid conservation, physicochemical variation, residue mobility, and thermodynamic stability) performed at Invitae indicates that this missense variant is not expected to disrupt NEFH protein function. This variant has not been reported in the literature in individuals affected with NEFH-related conditions.

NM_021076.4(NEFH):c.172G>T (p.Val58Leu)

Gene: NEFH (neurofilament heavy chain; plus strand). Cytogenetic location: 22q12.2.
Variant type: single nucleotide variant.
Coding change: c.172G>T on transcript NM_021076.4 (MANE Select); coding-DNA position 172, G replaced by T.
Protein change: p.Val58Leu; replaces valine 58 with leucine.
Molecular consequence: missense variant.
Genome position (GRCh38, 1-based): chr22:29,480,434, G>T. VCF-style: chr22-29480434-G-T. GRCh37 (hg19) VCF-style: chr22-29876423-G-T.
Other names: p.Val58Leu; c.172G>T (NM_021076.3); short protein forms V58L.
Identifiers: ClinVar variation 2901713 (VCV002901713.5), dbSNP rs567284754, ClinGen allele CA10173977.